The following is an entry in ClinVar:

ClinVar aggregate classification (germline): Uncertain significance (1 of 4 stars; one submission).

Submission:

Dasa
Classification: Uncertain significance. Last evaluated: 2026-04-20. Review status: criteria provided, single submitter. Criteria: DASA Assertion Criteria. Collection method: clinical testing. Allele origin: germline.
Comment: NM_001378452.1(ITPR1):c.2984G>A (p.Arg995Lys) is a missense variant that results in the substitution of arginine with lysine. This variant is rare in population databases. The currently available literature and clinical evidence are not sufficient to establish a definitive association between this variant and the reported condition. Therefore, this variant is classified as a variant of uncertain significance.

NM_001378452.1(ITPR1):c.2984G>A (p.Arg995Lys)

Gene: ITPR1 (inositol 1,4,5-trisphosphate receptor type 1; plus strand). Cytogenetic location: 3p26.1.
Variant type: single nucleotide variant.
Coding change: c.2984G>A on transcript NM_001378452.1 (MANE Select); coding-DNA position 2984, G replaced by A.
Protein change: p.Arg995Lys; replaces arginine 995 with lysine.
Molecular consequence: missense variant.
Genome position (GRCh38, 1-based): chr3:4,680,569, G>A. VCF-style: chr3-4680569-G-A. GRCh37 (hg19) VCF-style: chr3-4722253-G-A.
Other names: c.2957G>A, p.Arg986Lys (NM_001099952.4); c.2939G>A, p.Arg980Lys (NM_001168272.2); c.2912G>A, p.Arg971Lys (NM_002222.7); short protein forms R971K, R980K, R986K, R995K.
Identifiers: ClinVar variation 4882225 (VCV004882225.2).